The following is an entry in ClinVar:

ClinVar aggregate classification (germline): Benign. Review status: criteria provided, single submitter (1 of 4 stars). 2 submissions from 2 submitters: Benign (1). 1 of the submissions does not count toward it. Last evaluated 2016-03-29.

Conditions:
MDN1-related disorder. Also called: MDN1-related condition.

Allele frequency attached by ClinVar (database versions not stated): ESP Exome Variant Server 0.03045; gnomAD 0.03103 and 0.03397; TOPMed 0.03487; gnomAD exomes 0.03913 and 0.04905; 1000 Genomes Project 30x 0.04825; 1000 Genomes Project 0.04852; ExAC 0.04873.
gnomAD v4.1: 62,787 of 1,613,510 alleles (3.9%); highest among the groups gnomAD compares: South Asian, 12%; 1,834 homozygotes.

Submissions (2):

Laboratory for Molecular Medicine, Mass General Brigham Personalized Medicine
Classification: Benign. Last evaluated: 2016-03-29. Review status: criteria provided, single submitter. Criteria: LMM Criteria. Collection method: clinical testing. Allele origin: germline.
Comment: Variant identified in a genome or exome case(s) and assessed due to predicted null impact of the variant or pathogenic assertions in the literature or databases. Disclaimer: This variant has not undergone full assessment. The following are preliminary notes: Frequency

PreventionGenetics, part of Exact Sciences
Classification: Benign for MDN1-related condition. Last evaluated: 2019-07-10. Review status: no assertion criteria provided. Collection method: clinical testing. Allele origin: germline. Not counted in ClinVar's aggregate classification.
Comment: This variant is classified as benign based on ACMG/AMP sequence variant interpretation guidelines (Richards et al. 2015 PMID: 25741868, with internal and published modifications).

NM_014611.3(MDN1):c.14159T>C (p.Ile4720Thr)

Genes: MDN1 (midasin AAA ATPase 1; minus strand), MDN1-AS1 (MDN1 antisense RNA 1; plus strand). Cytogenetic location: 6q15.
Variant type: single nucleotide variant.
Coding change: c.14159T>C on transcript NM_014611.3 (MANE Select); coding-DNA position 14159, T replaced by C.
Protein change: p.Ile4720Thr; replaces isoleucine 4720 with threonine.
Molecular consequence: missense variant.
Genome position (GRCh38, 1-based): chr6:89,664,564, A>G on the plus strand (T>C on the coding strand, the complement: MDN1 is on the minus strand). VCF-style: chr6-89664564-A-G. GRCh37 (hg19) VCF-style: chr6-90374283-A-G.
Other names: c.14159T>C (NM_014611.2); short protein forms I4720T.
Identifiers: ClinVar variation 403077 (VCV000403077.6), dbSNP rs16882046, ClinGen allele CA3922610.
Genomic context (GRCh38, chr6:89,664,564, plus strand): 5'-CCATCATGCATTTTCCCATCAAAATCTTCCGACATCTCAATGGCATTATCCTCGCCCTTA[A>G]TATCAGATTTTGAATCAGGATCCTCTTTGTCTTTTTCTTGACCCTTCTGAAATGTATCTT-3'
Protein context (NP_055426.1, residues 4710-4730): DKEDPDSKSD[Ile4720Thr]KGEDNAIEMS